The following is an entry in ClinVar:

ClinVar aggregate classification (germline): Benign (1 of 4 stars; one submission).

Conditions:
Klippel-Feil syndrome 1, autosomal dominant (KFS1). Also called: CERVICAL VERTEBRAL FUSION, AUTOSOMAL DOMINANT. Identifiers: Orphanet 2345, MedGen C1861689, MONDO:0007306, OMIM 118100.

Allele frequency attached by ClinVar (database versions not stated): 1000 Genomes Project 0.00020; 1000 Genomes Project 30x 0.00047; ESP Exome Variant Server 0.00047; TOPMed 0.00063; gnomAD exomes 0.00064 and 0.00114; gnomAD 0.00070 and 0.00071; ExAC 0.00073.
gnomAD v4.1: 1,733 of 1,610,948 alleles (0.11%); highest among the groups gnomAD compares: Non-Finnish European, 0.14%; 1 homozygote.

Submission:

Illumina Laboratory Services, Illumina
Classification: Benign for Klippel-Feil syndrome 1, autosomal dominant. Last evaluated: 2018-01-13. Review status: criteria provided, single submitter. Criteria: ICSL Variant Classification Criteria 13 December 2019. Collection method: clinical testing. Allele origin: germline.
Comment: This variant was observed in the ICSL laboratory as part of a predisposition screen in an ostensibly healthy population. It had not been previously curated by ICSL or reported in the Human Gene Mutation Database (HGMD: prior to June 1st, 2018), and was therefore a candidate for classification through an automated scoring system. Utilizing variant allele frequency, disease prevalence and penetrance estimates, and inheritance mode, an automated score was calculated to assess if this variant is too frequent to cause the disease. Based on the score and internal cut-off values, a variant classified as benign is not then subjected to further curation. The score for this variant resulted in a classification of benign for this disease.

NM_001001557.4(GDF6):c.*28G>A

Gene: GDF6 (growth differentiation factor 6; minus strand). Cytogenetic location: 8q22.1.
Variant type: single nucleotide variant.
Coding change: c.*28G>A on transcript NM_001001557.4 (MANE Select); 28 bases downstream of the stop codon, G replaced by A.
Molecular consequence: 3 prime UTR variant.
Genome position (GRCh38, 1-based): chr8:96,144,535, C>T on the plus strand (G>A on the coding strand, the complement: GDF6 is on the minus strand). VCF-style: chr8-96144535-C-T. GRCh37 (hg19) VCF-style: chr8-97156763-C-T.
Identifiers: ClinVar variation 364041 (VCV000364041.5), dbSNP rs367847329, ClinGen allele CA4815322.